The following is an entry in ClinVar:

NM_000077.5(CDKN2A):c.260G>C (p.Arg87Pro)

Gene: CDKN2A (cyclin dependent kinase inhibitor 2A; minus strand). Cytogenetic location: 9p21.3.
Variant type: single nucleotide variant.
Coding change: c.260G>C on transcript NM_000077.5; coding-DNA position 260, G replaced by C.
Protein change: p.Arg87Pro; replaces arginine 87 with proline.
Molecular consequence: missense variant (on NM_000077.6). On other transcripts: synonymous variant (1), 3 prime UTR variant (1).
Genome position (GRCh38, 1-based): chr9:21,971,099, C>G on the plus strand (G>C on the coding strand, the complement: CDKN2A is on the minus strand). VCF-style: chr9-21971099-C-G. GRCh37 (hg19) VCF-style: chr9-21971098-C-G.
Other names: c.260G>C, p.Arg87Pro (NM_000077.6, NM_001195132.2); c.107G>C, p.Arg36Pro (NM_001363763.2); c.303G>C, p.Pro101= (NM_058195.4); c.*183G>C (NM_058197.5); short protein forms R87P, R36P.
Identifiers: ClinVar variation 236984 (VCV000236984.17), dbSNP rs878853647, ClinGen allele CA10582653.
Genomic context (GRCh38, chr9:21,971,099, plus strand): 5'-CGCACGTCCAGCCGCGCCCCGGCCCGGTGCAGCACCACCAGCGTGTCCAGGAAGCCCTCC[C>G]GGGCAGCGTCGTGCACGGGTCGGGTGAGAGTGGCGGGGTCGGCGCAGTTGGGCTCCGCGC-3'
Protein context (NP_000068.1, residues 77-97): TLTRPVHDAA[Arg87Pro]EGFLDTLVVL

ClinVar aggregate classification (germline): Pathogenic. Review status: criteria provided, multiple submitters, no conflicts (2 of 4 stars). 5 submissions from 5 submitters: Pathogenic (5). Last evaluated 2025-01-21.

Conditions:
Familial melanoma. Also called: Hereditary melanoma; Hereditary cutaneous melanoma. Identifiers: Orphanet 618, MedGen C1512419, MONDO:0018961.
Melanoma, cutaneous malignant, susceptibility to, 2 (CMM2). Also called: CDKN2A-Related Cutaneous Malignant Melanoma; Cutaneous malignant melanoma 2. Identifiers: Orphanet 618, MedGen C1835044, MONDO:0007964, OMIM 155601.
Melanoma and neural system tumor syndrome. Also called: MELANOMA-ASTROCYTOMA SYNDROME. Identifiers: Orphanet 252206, MedGen C1835042, MONDO:0007967, OMIM 155755.
Hereditary cancer-predisposing syndrome. Also called: Neoplastic Syndromes, Hereditary; Hereditary Cancer Syndrome; Tumor predisposition; Hereditary neoplastic syndrome. Identifiers: Orphanet 140162, MedGen C0027672, MeSH D009386, MONDO:0015356.

Submissions (5):

Ambry Genetics
Classification: Pathogenic for Hereditary cancer-predisposing syndrome. Last evaluated: 2025-01-21. Review status: criteria provided, single submitter. Criteria: Ambry Variant Classification Scheme 2023. Collection method: clinical testing. Allele origin: germline.
Comment: The p.R87P pathogenic mutation (also known as c.260G>C), located in coding exon 2 of the CDKN2A gene, results from a G to C substitution at nucleotide position 260. The arginine at codon 87 is replaced by proline, an amino acid with dissimilar properties. This alteration was identified in multiple individuals diagnosed with CDKN2A-associated disease (Ambry internal data; Yu KK et al. Laryngoscope, 2002 Sep;112:1587-93). This alteration showed loss of function in a cell cycle arrest assay (Miller PJ et al. Hum Mutat, 2011 Aug;32:900-11). This amino acid position is highly conserved in available vertebrate species. In addition, this alteration is predicted to be deleterious by in silico analysis. This variant is considered to be rare based on population cohorts in the Genome Aggregation Database (gnomAD). Based on the supporting evidence, this alteration is interpreted as a disease-causing mutation.

Labcorp Genetics (formerly Invitae), Labcorp
Classification: Pathogenic for Familial melanoma. Last evaluated: 2024-02-17. Review status: criteria provided, single submitter. Criteria: Invitae Variant Classification Sherloc (09022015). Collection method: clinical testing. Allele origin: germline.
Comment: This sequence change replaces arginine, which is basic and polar, with proline, which is neutral and non-polar, at codon 87 of the CDKN2A (p16INK4a) protein (p.Arg87Pro). This variant is not present in population databases (gnomAD no frequency). This missense change has been observed in individual(s) with melanoma, lung cancer, and head and neck squamous cell carcinoma and melanoma (PMID: 7987387, 12352668). It has also been observed to segregate with disease in related individuals. This variant is also known as p.Arg79Pro in CDKN2a (p16INK4a) transcript, or c.303G>C (Silent) in CDKN2A (p14ARF) transcript. ClinVar contains an entry for this variant (Variation ID: 236984). An algorithm developed to predict the effect of missense changes on protein structure and function (PolyPhen-2) suggests that this variant is likely to be disruptive. Experimental studies have shown that this missense change affects CDKN2A (p16INK4a) function (PMID: 8668202, 10491434, 10498896, 19260062, 21462282). This variant disrupts the p.Arg87 amino acid residue in CDKN2A (p16INK4a). Other variant(s) that disrupt this residue have been determined to be pathogenic (PMID: 10874641). This suggests that this residue is clinically significant, and that variants that disrupt this residue are likely to be disease-causing. For these reasons, this variant has been classified as Pathogenic.

Baylor Genetics
Classification: Pathogenic for Melanoma and neural system tumor syndrome. Last evaluated: 2023-11-13. Review status: criteria provided, single submitter. Criteria: ACMG Guidelines, 2015. Collection method: clinical testing. Allele origin: unknown.

Color Diagnostics, LLC DBA Color Health
Classification: Pathogenic for Hereditary cancer-predisposing syndrome. Last evaluated: 2022-02-11. Review status: criteria provided, single submitter. Criteria: ACMG Guidelines, 2015. Collection method: clinical testing. Allele origin: germline.
Comment: The CDKN2A locus encodes two different gene products, p16INK4a and p14ARF. This missense variant replaces arginine with proline at codon 87 in the ankyrin repeats domain of the CDKN2A (p16INK4A) protein. Computational prediction suggests that this variant may have deleterious impact on protein structure and function (internally defined REVEL score threshold >= 0.7, PMID: 27666373). Functional studies have shown the mutant protein to exhibit almost complete loss of interaction with CDK4 and CDK6 proteins and cell cycle control function (PMID: 8668202, 10491434, 10498896, 19260062, 21462282). This variant has been reported in at least 6 unrelated individuals affected with familial melanoma (PMID: 7987387, 15146471; Color internal data), with two of these families having relatives affected with pancreatic cancer (PMID: 15146471). This variant has not been identified in the general population by the Genome Aggregation Database (gnomAD). A different missense variant at the same position, p.Arg87Trp, is known to be disease-causing (ClinVar variation ID: 406707), indicating that arginine at this position is functionally important. Based on the available evidence, this variant is classified as Pathogenic.

Center for Human Genetics, Inc
Classification: Pathogenic for Cutaneous malignant melanoma 2. Last evaluated: 2018-06-01. Review status: criteria provided, single submitter. Criteria: ACMG Guidelines, 2015. Collection method: clinical testing. Allele origin: germline. Affected: yes.

Literature cited by the submitters: PubMed 12352668 (cited by Ambry Genetics and Labcorp Genetics (formerly Invitae), Labcorp); PubMed 21462282 (cited by 3 submitters); PubMed 7987387 (cited by Labcorp Genetics (formerly Invitae), Labcorp and Color Diagnostics, LLC DBA Color Health); PubMed 8668202 (cited by Labcorp Genetics (formerly Invitae), Labcorp and Color Diagnostics, LLC DBA Color Health); PubMed 10491434 (cited by Labcorp Genetics (formerly Invitae), Labcorp and Color Diagnostics, LLC DBA Color Health); PubMed 10498896 (cited by Labcorp Genetics (formerly Invitae), Labcorp and Color Diagnostics, LLC DBA Color Health); PubMed 19260062 (cited by Labcorp Genetics (formerly Invitae), Labcorp and Color Diagnostics, LLC DBA Color Health); PubMed 10874641 (cited by Labcorp Genetics (formerly Invitae), Labcorp); PubMed 15146471 (cited by Color Diagnostics, LLC DBA Color Health).